The following is an entry in ClinVar:

NM_001134831.2(AHI1):c.520A>C (p.Asn174His)

Gene: AHI1 (Abelson helper integration site 1; minus strand). Cytogenetic location: 6q23.3.
Variant type: single nucleotide variant.
Coding change: c.520A>C on transcript NM_001134831.2 (MANE Select); coding-DNA position 520, A replaced by C.
Protein change: p.Asn174His; replaces asparagine 174 with histidine.
Molecular consequence: missense variant.
Genome position (GRCh38, 1-based): chr6:135,466,043, T>G on the plus strand (A>C on the coding strand, the complement: AHI1 is on the minus strand). VCF-style: chr6-135466043-T-G. GRCh37 (hg19) VCF-style: chr6-135787181-T-G.
Other names: c.520A>C, p.Asn174His (NM_001134830.2, NM_001134832.2, NM_001350503.2 and 2 more transcripts); c.520A>C (NM_017651.4); short protein forms N174H.
Identifiers: ClinVar variation 1513324 (VCV001513324.6), dbSNP rs1375935414, ClinGen allele CA365751486.

ClinVar aggregate classification (germline): Uncertain significance. Review status: criteria provided, multiple submitters, no conflicts (2 of 4 stars). 2 submissions from 2 submitters: Uncertain significance (2). Last evaluated 2025-02-04.

Conditions:
Inborn genetic diseases. Identifiers: MedGen C0950123, MeSH D030342.
Joubert syndrome. Also called: CEREBELLOPARENCHYMAL DISORDER IV; JOUBERT-BOLTSHAUSER SYNDROME; Familial aplasia of the vermis. Identifiers: Orphanet 475, MedGen C5979921, MONDO:0018772.

Allele frequency attached by ClinVar (database versions not stated): TOPMed 0.00002.
gnomAD v4.1: 6 of 1,613,982 alleles (0.00037%); highest among the groups gnomAD compares: Non-Finnish European, 0.00017%; no homozygotes.

Submissions (2):

Ambry Genetics
Classification: Uncertain significance for Inborn genetic diseases. Last evaluated: 2025-02-04. Review status: criteria provided, single submitter. Criteria: Ambry Variant Classification Scheme 2023. Collection method: clinical testing. Allele origin: germline.

Labcorp Genetics (formerly Invitae), Labcorp
Classification: Uncertain significance for Joubert syndrome. Last evaluated: 2021-09-01. Review status: criteria provided, single submitter. Criteria: Invitae Variant Classification Sherloc (09022015). Collection method: clinical testing. Allele origin: germline.
Comment: This sequence change replaces asparagine with histidine at codon 174 of the AHI1 protein (p.Asn174His). The asparagine residue is weakly conserved and there is a small physicochemical difference between asparagine and histidine. This variant is not present in population databases (ExAC no frequency). This variant has not been reported in the literature in individuals affected with AHI1-related conditions. Advanced modeling of protein sequence and biophysical properties (such as structural, functional, and spatial information, amino acid conservation, physicochemical variation, residue mobility, and thermodynamic stability) performed at Invitae indicates that this missense variant is not expected to disrupt AHI1 protein function. In summary, the available evidence is currently insufficient to determine the role of this variant in disease. Therefore, it has been classified as a Variant of Uncertain Significance.